The following is an entry in ClinVar:

NM_016495.6(TBC1D7):c.329G>A (p.Arg110His)

Genes: TBC1D7 (TBC1 domain family member 7; minus strand), TBC1D7-LOC100130357 (TBC1D7-LOC100130357 readthrough; minus strand). Cytogenetic location: 6p24.1.
Variant type: single nucleotide variant.
Coding change: c.329G>A on transcript NM_016495.6 (MANE Select); coding-DNA position 329, G replaced by A.
Protein change: p.Arg110His; replaces arginine 110 with histidine.
Molecular consequence: missense variant. On other transcripts: non-coding transcript variant (1).
Genome position (GRCh38, 1-based): chr6:13,320,960, C>T on the plus strand (G>A on the coding strand, the complement: TBC1D7 is on the minus strand). VCF-style: chr6-13320960-C-T. GRCh37 (hg19) VCF-style: chr6-13321192-C-T.
Other names: c.329G>A, p.Arg110His (NM_001318809.2, NM_001143964.4, NM_001143965.4 and 2 more transcripts); c.248G>A, p.Arg83His (NM_001143966.4, NM_001318806.2); short protein forms R110H, R83H.
Identifiers: ClinVar variation 3234222 (VCV003234222.20), dbSNP rs773281101, ClinGen allele CA3639817.
Genomic context (GRCh38, chr6:13,320,960, plus strand): 5'-CCACTAACCAGTGGAAAAGAGGGACTTCGAGGTAACTTCCCAGACTCCAGCTGATACATG[C>T]GGAGATAGACTTCAGCCTGAGGTGTGGCATCACTAACAAAGCGAACGACTTTCAGGGCAT-3'
Protein context (NP_057579.1, residues 100-120): DATPQAEVYL[Arg110His]MYQLESGKLP

ClinVar aggregate classification (germline): Uncertain significance (1 of 4 stars; one submission).

Allele frequency attached by ClinVar (database versions not stated): TOPMed 0.00001.
gnomAD v4.1: 11 of 1,614,040 alleles (0.00068%); highest among the groups gnomAD compares: South Asian, 0.0066%; no homozygotes.

Submission:

CeGaT Center for Human Genetics Tuebingen
Classification: Uncertain significance. Last evaluated: 2024-04-01. Review status: criteria provided, single submitter. Criteria: CeGaT Center For Human Genetics Tuebingen Variant Classification Criteria Version 2. Collection method: clinical testing. Allele origin: germline. Affected: yes. Observed: 1 variant allele.
Comment: TBC1D7: PM2, BP4